The following is an entry in ClinVar:

NM_004453.4(ETFDH):c.1349_1350del (p.Ser450fs)

Gene: ETFDH (electron transfer flavoprotein dehydrogenase; plus strand). Cytogenetic location: 4q32.1.
Variant type: Deletion.
Coding change: c.1349_1350del on transcript NM_004453.4 (MANE Select); coding-DNA positions 1349 to 1350, 2 bases deleted (CT; older notation c.1349_1350delCT).
Protein change: p.Ser450fs; shifts the reading frame from serine 450.
Molecular consequence: frameshift variant.
Genome position (GRCh38, 1-based): chr4:158,706,252-158,706,253, CT deleted; deleting any 2 consecutive bases within chr4:158,706,251-158,706,253 gives the same sequence; the c. name uses the placement nearest the transcript's 3' end. VCF-style (leftmost placement, unchanged base first): chr4-158706250-TTC-T. GRCh37 (hg19) VCF-style: chr4-159627402-TTC-T.
Other names: c.1208_1209del, p.Ser403fs (NM_001281737.2); c.1166_1167del, p.Ser389fs (NM_001281738.1); short protein forms S389fs, S403fs, S450fs.
Identifiers: ClinVar variation 2821712 (VCV002821712.5), dbSNP rs745693501, ClinGen allele CA3122608.
Genomic context (GRCh38, chr4:158,706,250, plus strand): 5'-ACTCCATGTAACTGAATATGAGGACAATTTGAAGAACTCATGGGTATGGAAAGAGCTATA[TTC>T]TGTTAGAAATATAAGACCGTCCTGCCACGGAGTACTGGGTGTATATGGAGGGATGATTTA-3'

ClinVar aggregate classification (germline): Pathogenic. Review status: criteria provided, multiple submitters, no conflicts (2 of 4 stars). 2 submissions from 2 submitters: Pathogenic (2). Last evaluated 2026-05-01.

Conditions:
Multiple acyl-CoA dehydrogenase deficiency (MADD). Also called: Glutaric aciduria, type 2; Glutaric acidemia type II; GA 2; ETHYLMALONIC-ADIPICACIDURIA; GA II; Glutaric Acidemia type 2. Identifiers: Orphanet 26791, MedGen C0268596, MONDO:0009282, OMIM 231680.

Submissions (2):

CeGaT Center for Human Genetics Tuebingen
Classification: Pathogenic. Last evaluated: 2026-05-01. Review status: criteria provided, single submitter. Criteria: CeGaT Center For Human Genetics Tuebingen Variant Classification Criteria Version 2. Collection method: clinical testing. Allele origin: germline. Affected: yes. Observed: 1 variant allele.
Comment: ETFDH: PVS1, PM2

Labcorp Genetics (formerly Invitae), Labcorp
Classification: Pathogenic for Multiple acyl-CoA dehydrogenase deficiency. Last evaluated: 2023-06-07. Review status: criteria provided, single submitter. Criteria: Invitae Variant Classification Sherloc (09022015). Collection method: clinical testing. Allele origin: germline.
Comment: For these reasons, this variant has been classified as Pathogenic. This variant has not been reported in the literature in individuals affected with ETFDH-related conditions. This variant is present in population databases (rs745693501, gnomAD 0.003%). This sequence change creates a premature translational stop signal (p.Ser450Cysfs*2) in the ETFDH gene. It is expected to result in an absent or disrupted protein product. Loss-of-function variants in ETFDH are known to be pathogenic (PMID: 16510302, 23785301).

Literature cited by the submitters: PubMed 16510302 (cited by Labcorp Genetics (formerly Invitae), Labcorp); PubMed 23785301 (cited by Labcorp Genetics (formerly Invitae), Labcorp).